The following is an entry in ClinVar:

NM_006941.4(SOX10):c.211T>G (p.Cys71Gly)

Genes: POLR2F (RNA polymerase II, I and III subunit F; plus strand), SOX10 (SRY-box transcription factor 10; minus strand). Cytogenetic location: 22q13.1.
Variant type: single nucleotide variant.
Coding change: c.211T>G on transcript NM_006941.4 (MANE Select); coding-DNA position 211, T replaced by G.
Protein change: p.Cys71Gly; replaces cysteine 71 with glycine.
Molecular consequence: missense variant. On other transcripts: intron variant (3).
Genome position (GRCh38, 1-based): chr22:37,983,574, A>C on the plus strand (T>G on the coding strand, the complement: SOX10 is on the minus strand). VCF-style: chr22-37983574-A-C. GRCh37 (hg19) VCF-style: chr22-38379581-A-C.
Other names: c.*38+11264A>C (NM_001363825.1); c.294-2580A>C (NM_001301130.2); c.293+16404A>C (NM_001301131.2); short protein forms C71G.
Identifiers: ClinVar variation 229266 (VCV000229266.57), dbSNP rs200683397, ClinGen allele CA10228708.

ClinVar aggregate classification (germline): Uncertain significance. Review status: criteria provided, multiple submitters, no conflicts (2 of 4 stars). 7 submissions from 7 submitters: Uncertain significance (7). Last evaluated 2026-08-11.

Conditions:
SOX10-related disorder. Also called: SOX10-related condition.
Waardenburg syndrome type 4C (WS4C). Also called: WAARDENBURG SYNDROME WITH HIRSCHSPRUNG DISEASE, TYPE 4C. Identifiers: Orphanet 897, MedGen C2750452, MONDO:0013202, OMIM 613266.
Waardenburg syndrome type 2E (WS2E). Also called: HYPOGONADOTROPIC HYPOGONADISM WITH ANOSMIA AND DEAFNESS, WITH OR WITHOUT HYPOPIGMENTATION; WAARDENBURG SYNDROME, TYPE 2E, WITH OR WITHOUT NEUROLOGIC INVOLVEMENT; WS2E, WITH OR WITHOUT NEUROLOGIC INVOLVEMENT. Identifiers: Orphanet 3440, MedGen C2700405, MONDO:0012698, OMIM 611584.

Allele frequency attached by ClinVar (database versions not stated): gnomAD exomes 0.00003 and 0.00002; gnomAD 0.00021; 1000 Genomes Project 0.00040; TOPMed 0.00044; 1000 Genomes Project 30x 0.00047; ExAC 0.00002.
gnomAD v4.1: 53 of 1,610,484 alleles (0.0033%); highest among the groups gnomAD compares: Admixed American, 0.067%; no homozygotes.

Submissions (7):

PreventionGenetics, part of Exact Sciences
Classification: Uncertain significance for SOX10-related condition. Last evaluated: 2026-08-11. Review status: criteria provided, single submitter. Criteria: ACMG Guidelines, 2015. Collection method: clinical testing. Allele origin: germline.
Comment: The SOX10 c.211T>G variant is predicted to result in the amino acid substitution p.Cys71Gly. To our knowledge, this variant has not been reported in the literature. This variant is reported in 0.0088% of alleles in individuals of Latino descent in gnomAD. At this time, the clinical significance of this variant is uncertain due to the absence of conclusive functional and genetic evidence.

Labcorp Genetics (formerly Invitae), Labcorp
Classification: Uncertain significance. Last evaluated: 2025-07-21. Review status: criteria provided, single submitter. Criteria: Invitae Variant Classification Sherloc (09022015). Collection method: clinical testing. Allele origin: germline.
Comment: This sequence change replaces cysteine, which is neutral and slightly polar, with glycine, which is neutral and non-polar, at codon 71 of the SOX10 protein (p.Cys71Gly). This variant is present in population databases (rs200683397, gnomAD 0.006%). This variant has not been reported in the literature in individuals affected with SOX10-related conditions. ClinVar contains an entry for this variant (Variation ID: 229266). Invitae Evidence Modeling of protein sequence and biophysical properties (such as structural, functional, and spatial information, amino acid conservation, physicochemical variation, residue mobility, and thermodynamic stability) indicates that this missense variant is not expected to disrupt SOX10 protein function with a negative predictive value of 95%. In summary, the available evidence is currently insufficient to determine the role of this variant in disease. Therefore, it has been classified as a Variant of Uncertain Significance.

Revvity Omics, Revvity
Classification: Uncertain significance. Last evaluated: 2021-04-10. Review status: criteria provided, single submitter. Criteria: ACMG Guidelines, 2015. Collection method: clinical testing. Allele origin: germline.

New York Genome Center
Classification: Uncertain significance for Waardenburg syndrome type 2E. Last evaluated: 2020-07-27. Review status: criteria provided, single submitter. Criteria: NYGC Assertion Criteria 2020. Collection method: clinical testing. Allele origin: inherited. Observed: 1 heterozygote. Study: CSER-NYCKidSeq.

GeneDx
Classification: Uncertain significance. Last evaluated: 2019-11-21. Review status: criteria provided, single submitter. Criteria: GeneDx Variant Classification Process June 2021. Collection method: clinical testing. Allele origin: germline. Affected: yes.
Comment: In silico analysis, which includes protein predictors and evolutionary conservation, supports a deleterious effect; Has not been previously published as pathogenic or benign to our knowledge

Laboratory for Molecular Medicine, Mass General Brigham Personalized Medicine
Classification: Uncertain significance. Last evaluated: 2017-09-04. Review status: criteria provided, single submitter. Criteria: LMM Criteria. Collection method: clinical testing. Allele origin: germline. Observed: 3 variant alleles.
Comment: It has also been iden tified in 2/33246 Latino chromosomes by the Genome Aggregation Database (gnomAD; dbSNP rs200683397). Although this variant has been seen in the general population, its frequency is not high enough to rule o ut a pathogenic role. Computational prediction tools and conservation analysis s uggest that the variant may not impact the protein, though this information is n ot predictive enough to rule out pathogenicity. In summary, the clinical signifi cance of the p.Cys71Gly variant is uncertain. ACMG/AMP Criteria applied: PM2, BP 4.

Center for Human Genetics, Inc
Classification: Uncertain significance for Waardenburg syndrome type 4C. Last evaluated: 2016-11-01. Review status: criteria provided, single submitter. Criteria: ACMG Guidelines, 2015. Collection method: clinical testing. Allele origin: germline. Affected: yes.